The following is an entry in ClinVar:

NM_000642.3(AGL):c.3968C>T (p.Ser1323Leu)

Gene: AGL (amylo-alpha-1,6-glucosidase and 4-alpha-glucanotransferase; plus strand). Cytogenetic location: 1p21.2.
Variant type: single nucleotide variant.
Coding change: c.3968C>T on transcript NM_000642.3 (MANE Select); coding-DNA position 3968, C replaced by T.
Protein change: p.Ser1323Leu; replaces serine 1323 with leucine.
Molecular consequence: missense variant.
Genome position (GRCh38, 1-based): chr1:99,913,545, C>T. VCF-style: chr1-99913545-C-T. GRCh37 (hg19) VCF-style: chr1-100379101-C-T.
Other names: c.3947C>T, p.Ser1316Leu (NM_001425326.1); c.3767C>T, p.Ser1256Leu (NM_001425327.1); c.3764C>T, p.Ser1255Leu (NM_001425328.1); c.3629C>T, p.Ser1210Leu (NM_001425329.1); c.3590C>T, p.Ser1197Leu (NM_001425332.1); c.3968C>T, p.Ser1323Leu (NM_000643.3, NM_000644.3, NM_001425325.1 and 1 more transcripts); c.3920C>T, p.Ser1307Leu (NM_000646.3); short protein forms S1307L, S1323L, S1197L, S1210L, S1255L, S1256L, S1316L.
Identifiers: ClinVar variation 1024535 (VCV001024535.8), dbSNP rs375493401, ClinGen allele CA967277.
Genomic context (GRCh38, chr1:99,913,545, plus strand): 5'-TTTTGAATGATTAAAACTACCATGTCTTATGTCATTTTTCAGGAAAGGCTATAAAGGTCT[C>T]ATATGATGAGTGGAACAGAAAAATACAAGACAACTTTGAAAAGCTATTTCATGTTTCCGA-3'
Protein context (NP_000633.2, residues 1313-1333): VKRHGKAIKV[Ser1323Leu]YDEWNRKIQD

ClinVar aggregate classification (germline): Uncertain significance. Review status: criteria provided, single submitter (1 of 4 stars). 2 submissions from 2 submitters: Uncertain significance (1). 1 of the submissions does not count toward it. Last evaluated 2022-06-03.

Conditions:
Glycogen storage disease type III (GSD3). Also called: Cori disease; FORBES DISEASE. Identifiers: Orphanet 366, MedGen C0017922, MONDO:0009291, OMIM 232400.

Allele frequency attached by ClinVar (database versions not stated): gnomAD exomes below 0.00001 and 0.00001; ExAC 0.00001; gnomAD 0.00002; TOPMed 0.00002; ESP Exome Variant Server 0.00015.
gnomAD v4.1: 5 of 1,613,444 alleles (0.00031%); highest among the groups gnomAD compares: African/African-American, 0.0067%; no homozygotes.

Submissions (2):

Labcorp Genetics (formerly Invitae), Labcorp
Classification: Uncertain significance for Glycogen storage disease type III. Last evaluated: 2022-06-03. Review status: criteria provided, single submitter. Criteria: Invitae Variant Classification Sherloc (09022015). Collection method: clinical testing. Allele origin: germline.
Comment: This sequence change replaces serine, which is neutral and polar, with leucine, which is neutral and non-polar, at codon 1323 of the AGL protein (p.Ser1323Leu). This variant is present in population databases (rs375493401, gnomAD 0.02%). This variant has not been reported in the literature in individuals affected with AGL-related conditions. ClinVar contains an entry for this variant (Variation ID: 1024535). Algorithms developed to predict the effect of missense changes on protein structure and function are either unavailable or do not agree on the potential impact of this missense change (SIFT: "Deleterious"; PolyPhen-2: "Benign"; Align-GVGD: "Class C15"). In summary, the available evidence is currently insufficient to determine the role of this variant in disease. Therefore, it has been classified as a Variant of Uncertain Significance.

Natera, Inc.
Classification: Uncertain significance for Glycogen storage disease type III. Last evaluated: 2020-08-20. Review status: no assertion criteria provided. Collection method: clinical testing. Allele origin: germline. Not counted in ClinVar's aggregate classification.